The following is an entry in ClinVar:

ClinVar aggregate classification (germline): Uncertain significance (1 of 4 stars; one submission).

Allele frequency attached by ClinVar (database versions not stated): gnomAD below 0.00001 and 0.00006; TOPMed 0.00001; gnomAD exomes 0.00007 and 0.00017; ExAC 0.00016; 1000 Genomes Project 0.00040; 1000 Genomes Project 30x 0.00047.

Submission:

GeneDx
Classification: Uncertain significance. Last evaluated: 2016-03-11. Review status: criteria provided, single submitter. Criteria: GeneDx Variant Classification (06012015). Collection method: clinical testing. Allele origin: germline. Affected: yes.
Comment: The G1092C variant in the CEP152 gene has not been reported previously as a pathogenic variant, nor as a benign variant, to our knowledge. The G1092C variant was not observed in approximately 6100 individuals of European and African American ancestry in the NHLBI Exome Sequencing Project, indicating it is not a common benign variant in these populations. The G1092C variant is a non-conservative amino acid substitution, which is likely to impact secondary protein structure as these residues differ in polarity, charge, size and/or other properties. This substitution occurs at a position that is not conserved. In silico analysis is inconsistent in its predictions as to whether or not the variant is damaging to the protein structure/function. We interpret G1092C as a variant of uncertain significance.

NM_001194998.2(CEP152):c.3274G>T (p.Gly1092Cys)

Gene: CEP152 (centrosomal protein 152; minus strand). Cytogenetic location: 15q21.1.
Variant type: single nucleotide variant.
Coding change: c.3274G>T on transcript NM_001194998.2 (MANE Select); coding-DNA position 3274, G replaced by T.
Protein change: p.Gly1092Cys; replaces glycine 1092 with cysteine.
Molecular consequence: missense variant.
Genome position (GRCh38, 1-based): chr15:48,755,974, C>A on the plus strand (G>T on the coding strand, the complement: CEP152 is on the minus strand). VCF-style: chr15-48755974-C-A. GRCh37 (hg19) VCF-style: chr15-49048171-C-A.
Other names: c.3274G>T, p.Gly1092Cys (NM_014985.4); short protein forms G1092C.
Identifiers: ClinVar variation 420624 (VCV000420624.2), dbSNP rs553647106, ClinGen allele CA7548398.